The following is an entry in ClinVar:

NM_005157.6(ABL1):c.2744C>T (p.Ser915Leu)

Gene: ABL1 (ABL proto-oncogene 1, non-receptor tyrosine kinase; plus strand). Cytogenetic location: 9q34.12.
Variant type: single nucleotide variant.
Coding change: c.2744C>T on transcript NM_005157.6 (MANE Select); coding-DNA position 2744, C replaced by T.
Protein change: p.Ser915Leu; replaces serine 915 with leucine.
Molecular consequence: missense variant.
Genome position (GRCh38, 1-based): chr9:130,885,034, C>T. VCF-style: chr9-130885034-C-T. GRCh37 (hg19) VCF-style: chr9-133760421-C-T.
Other names: c.2801C>T, p.Ser934Leu (NM_007313.3); short protein forms S915L, S934L.
Identifiers: ClinVar variation 1587266 (VCV001587266.28), dbSNP rs368347512, ClinGen allele CA5285755.

ClinVar aggregate classification (germline): Likely benign. Review status: criteria provided, multiple submitters, no conflicts (2 of 4 stars). 3 submissions from 3 submitters: Likely benign (3). Last evaluated 2026-01-24.

Allele frequency attached by ClinVar (database versions not stated): gnomAD 0.00011 and 0.00012; TOPMed 0.00012; ESP Exome Variant Server 0.00016; gnomAD exomes 0.00016 and 0.00017; ExAC 0.00019.
gnomAD v4.1: 280 of 1,611,040 alleles (0.017%); highest among the groups gnomAD compares: Non-Finnish European, 0.021%; no homozygotes.

Submissions (3):

Labcorp Genetics (formerly Invitae), Labcorp
Classification: Likely benign. Last evaluated: 2026-01-24. Review status: criteria provided, single submitter. Criteria: Invitae Variant Classification Sherloc (09022015). Collection method: clinical testing. Allele origin: germline.

Blueprint Genetics
Classification: Likely benign. Last evaluated: 2024-05-13. Review status: criteria provided, single submitter. Criteria: ACMG Guidelines, 2015. Collection method: clinical testing. Allele origin: germline.

CeGaT Center for Human Genetics Tuebingen
Classification: Likely benign. Last evaluated: 2024-05-01. Review status: criteria provided, single submitter. Criteria: CeGaT Center For Human Genetics Tuebingen Variant Classification Criteria Version 2. Collection method: clinical testing. Allele origin: germline. Affected: yes. Observed: 1 variant allele.
Comment: ABL1: BP4, BP5